The following is an entry in ClinVar:

GRCh37/hg19 2q11.1-14.1(chr2:95645516-118485105)x3

Genes: ACOXL (acyl-CoA oxidase like; plus strand), ACTR1B (actin related protein 1B; minus strand), ACTR3 (actin related protein 3; plus strand), ADRA2B (adrenoceptor alpha 2B; minus strand), AFF3 (ALF transcription elongation factor 3; minus strand) and 134 more. Cytogenetic location: 2q11.1-14.1.
Variant type: copy number gain.
Change: copy number 3 (three copies instead of two) of chr2:95,645,516-118,485,105 (22.84 Mb, GRCh37 coordinates, 1-based), cytogenetic band 2q11.1-14.1.
Other names: arr[GRCh37] 2q11.1q14.1(95,645,516_118,485,105)x3.
Identifiers: ClinVar variation 5002656 (VCV005002656.1).

ClinVar aggregate classification (germline): Pathogenic (1 of 4 stars; one submission).

Submission:

Service de Médecine Génomique des Maladies de Système et d'Organe, AP-HP, Hôpital Cochin
Classification: Pathogenic. Last evaluated: 2026-09-15. Review status: criteria provided, single submitter. Criteria: ACMG/ClinGen CNV Guidelines, 2019. Collection method: clinical testing. Allele origin: unknown. Affected: yes. Observed: 1 variant allele, 1 heterozygote.
Comment: The duplicated interval encompasses 115 OMIM genes, including 21 genes with a pTriplo score >0.68. A gain of this size and gene content has not been observed in population controls (gnomAD-SV, DGV). Smaller overlapping gains within this interval have been reported as pathogenic in DECIPHER and ClinVar. The interval also spans the recurrent 2q11.2 and 2q13 microduplications, both reported as variants of uncertain significance in neurodevelopmental cohorts; these smaller recurrent events are not considered to account for the present phenotype. Parental testing was not performed, so the origin of the variant is unknown. The classification rests on the overall size and gene content of the duplication and its occurrence in an affected individual, in line with the ACMG/ClinGen technical standards for constitutional copy-number variants (PMID: 31690835). This case is part of a study currently submitted for publication.